The following is an entry in ClinVar:

NM_012463.4(ATP6V0A2):c.309G>T (p.Lys103Asn)

Gene: ATP6V0A2 (ATPase H+ transporting V0 subunit a2; plus strand). Cytogenetic location: 12q24.31.
Variant type: single nucleotide variant.
Coding change: c.309G>T on transcript NM_012463.4 (MANE Select); coding-DNA position 309, G replaced by T.
Protein change: p.Lys103Asn; replaces lysine 103 with asparagine.
Molecular consequence: missense variant.
Genome position (GRCh38, 1-based): chr12:123,724,668, G>T. VCF-style: chr12-123724668-G-T. GRCh37 (hg19) VCF-style: chr12-124209215-G-T.
Other names: short protein forms K103N.
Identifiers: ClinVar variation 307578 (VCV000307578.19), dbSNP rs144499089, ClinGen allele CA6861575.
Genomic context (GRCh38, chr12:123,724,668, plus strand): 5'-TTGGAACTAATTACTACCCTCTTAAGTAACCATTGTTTTGTTTTAGGAGCAGTTGCAGAA[G>T]CTCGAGGTTGAACTGAGAGAAGTCACTAAGAACAAGGAGAAACTGAGGAAAAACTTGCTG-3'
Protein context (NP_036595.2, residues 93-113): QVLEMQEQLQ[Lys103Asn]LEVELREVTK

ClinVar aggregate classification (germline): Uncertain significance. Review status: criteria provided, multiple submitters, no conflicts (2 of 4 stars). 8 submissions from 8 submitters: Uncertain significance (8). Last evaluated 2025-12-31.

Conditions:
ATP6VOA2-related disorder.
Inborn genetic diseases. Identifiers: MedGen C0950123, MeSH D030342.
Wrinkly skin syndrome (WSS). Also called: Type of Gerodermia osteodysplastica. Identifiers: Orphanet 2834, MedGen C0406587, MONDO:0010208, OMIM 278250.
Cutis laxa with osteodystrophy (ARCL2A). Also called: Debré-Type Cutis Laxa; CUTIS LAXA WITH CONGENITAL DISORDER OF GLYCOSYLATION; CUTIS LAXA, AUTOSOMAL RECESSIVE, TYPE IIA; CUTIS LAXA WITH BONE DYSTROPHY; CUTIS LAXA WITH GROWTH AND DEVELOPMENTAL DELAY; CUTIS LAXA WITH JOINT LAXITY AND RETARDED DEVELOPMENT. Identifiers: Orphanet 357058, MedGen C0268355, MONDO:0018163, OMIM 219200. Disease mechanism: loss of function.
ALG9 congenital disorder of glycosylation (CDG1L). Also called: CDG Il; CONGENITAL DISORDER OF GLYCOSYLATION, TYPE Il; ALG9-CDG. Identifiers: Orphanet 79328, MedGen C2931006, MONDO:0012117, OMIM 608776.

Allele frequency attached by ClinVar (database versions not stated): ESP Exome Variant Server 0.00008; ExAC 0.00012; gnomAD exomes 0.00014 and 0.00046; TOPMed 0.00025; gnomAD 0.00026.
gnomAD v4.1: 724 of 1,613,770 alleles (0.045%); highest among the groups gnomAD compares: Non-Finnish European, 0.057%; no homozygotes.

Submissions (8):

GeneDx
Classification: Uncertain significance. Last evaluated: 2025-12-31. Review status: criteria provided, single submitter. Criteria: GeneDx Variant Classification Process June 2021. Collection method: clinical testing. Allele origin: germline. Affected: yes.
Comment: Has not been previously published as pathogenic or benign to our knowledge; In silico analysis supports that this missense variant has a deleterious effect on protein structure/function

Ambry Genetics
Classification: Uncertain significance for Inborn genetic diseases. Last evaluated: 2024-08-19. Review status: criteria provided, single submitter. Criteria: Ambry Variant Classification Scheme 2023. Collection method: clinical testing. Allele origin: germline.

Labcorp Genetics (formerly Invitae), Labcorp
Classification: Uncertain significance for ALG9 congenital disorder of glycosylation. Last evaluated: 2022-08-17. Review status: criteria provided, single submitter. Criteria: Invitae Variant Classification Sherloc (09022015). Collection method: clinical testing. Allele origin: germline.
Comment: This sequence change replaces lysine, which is basic and polar, with asparagine, which is neutral and polar, at codon 103 of the ATP6V0A2 protein (p.Lys103Asn). This variant is present in population databases (rs144499089, gnomAD 0.03%). This variant has not been reported in the literature in individuals affected with ATP6V0A2-related conditions. ClinVar contains an entry for this variant (Variation ID: 307578). Algorithms developed to predict the effect of missense changes on protein structure and function are either unavailable or do not agree on the potential impact of this missense change (SIFT: "Deleterious"; PolyPhen-2: "Probably Damaging"; Align-GVGD: "Class C0"). In summary, the available evidence is currently insufficient to determine the role of this variant in disease. Therefore, it has been classified as a Variant of Uncertain Significance.

Fulgent Genetics
Classification: Uncertain significance for Cutis laxa with osteodystrophy; Wrinkly skin syndrome. Last evaluated: 2018-10-31. Review status: criteria provided, single submitter. Criteria: ACMG Guidelines, 2015. Collection method: clinical testing. Allele origin: unknown.

Illumina Laboratory Services, Illumina
Classification: Uncertain significance for Cutis laxa with osteodystrophy. Last evaluated: 2018-01-13. Review status: criteria provided, single submitter. Criteria: ICSL Variant Classification Criteria 13 December 2019. Collection method: clinical testing. Allele origin: germline.

Athena Diagnostics
Classification: Uncertain significance. Last evaluated: 2017-04-28. Review status: criteria provided, single submitter. Criteria: Athena Diagnostics Criteria. Collection method: clinical testing. Allele origin: germline.

Breakthrough Genomics
Classification: Uncertain significance. Review status: criteria provided, single submitter. Criteria: ACMG Guidelines, 2015. Collection method: not provided. Allele origin: germline. Inheritance: Autosomal recessive inheritance. Affected: yes.

Daryl Scott Lab, Baylor College of Medicine
Classification: Uncertain significance for ATP6VOA2-related disorder. Review status: criteria provided, single submitter. Criteria: ACMG Guidelines, 2015. Collection method: clinical testing. Allele origin: paternal. Affected: yes. Observed: 1 heterozygote.
Comment: PP3